The following is an entry in ClinVar:

NM_000548.5(TSC2):c.1494G>T (p.Glu498Asp)

Gene: TSC2 (TSC complex subunit 2; plus strand). Cytogenetic location: 16p13.3.
Variant type: single nucleotide variant.
Coding change: c.1494G>T on transcript NM_000548.5 (MANE Select); coding-DNA position 1494, G replaced by T.
Protein change: p.Glu498Asp; replaces glutamic acid 498 with aspartic acid.
Molecular consequence: missense variant. On other transcripts: non-coding transcript variant (5), 5 prime UTR variant (1).
Genome position (GRCh38, 1-based): chr16:2,064,322, G>T. VCF-style: chr16-2064322-G-T. GRCh37 (hg19) VCF-style: chr16-2114323-G-T.
Other names: c.1494G>T, p.Glu498Asp (NM_001077183.3, NM_001114382.3, NM_001363528.2 and 6 more transcripts); c.1383G>T, p.Glu461Asp (NM_001318827.2, NM_001406670.1, NM_001406678.1); c.1347G>T, p.Glu449Asp (NM_001318829.2, NM_001406675.1, NM_001406676.1 and 1 more transcripts); c.894G>T, p.Glu298Asp (NM_001318831.2, NM_001406688.1, NM_001406680.1 and 6 more transcripts); c.1527G>T, p.Glu509Asp (NM_001318832.2); c.1584G>T, p.Glu528Asp (NM_001406667.1, NM_001406668.1); c.1482G>T, p.Glu494Asp (NM_001406671.1, NM_001406673.1); c.1437G>T, p.Glu479Asp (NM_001406677.1); and 3 more; short protein forms E449D, E509D, E528D, E461D, E50D, E298D, E344D, E479D.
Identifiers: ClinVar variation 4826470 (VCV004826470.1).

ClinVar aggregate classification (germline): Uncertain significance (1 of 4 stars; one submission).

Conditions:
Hereditary cancer-predisposing syndrome. Also called: Neoplastic Syndromes, Hereditary; Tumor predisposition; Hereditary Cancer Syndrome; Hereditary neoplastic syndrome. Identifiers: Orphanet 140162, MedGen C0027672, MeSH D009386, MONDO:0015356.

Submission:

Ambry Genetics
Classification: Uncertain significance for Hereditary cancer-predisposing syndrome. Last evaluated: 2026-03-07. Review status: criteria provided, single submitter. Criteria: Ambry Variant Classification Scheme 2023. Collection method: clinical testing. Allele origin: germline.
Comment: The p.E498D variant (also known as c.1494G>T), located in coding exon 14 of the TSC2 gene, results from a G to T substitution at nucleotide position 1494. The glutamic acid at codon 498 is replaced by aspartic acid, an amino acid with highly similar properties. This amino acid position is conserved. In addition, the in silico prediction for this alteration is inconclusive. Based on the available evidence, the clinical significance of this variant remains unclear.